The following is an entry in ClinVar:

NM_014846.4(WASHC5):c.1991A>G (p.Tyr664Cys)

Gene: WASHC5 (WASH complex subunit 5; minus strand). Cytogenetic location: 8q24.13.
Variant type: single nucleotide variant.
Coding change: c.1991A>G on transcript NM_014846.4 (MANE Select); coding-DNA position 1991, A replaced by G.
Protein change: p.Tyr664Cys; replaces tyrosine 664 with cysteine.
Molecular consequence: missense variant.
Genome position (GRCh38, 1-based): chr8:125,056,702, T>C on the plus strand (A>G on the coding strand, the complement: WASHC5 is on the minus strand). VCF-style: chr8-125056702-T-C. GRCh37 (hg19) VCF-style: chr8-126068944-T-C.
Other names: c.1547A>G, p.Tyr516Cys (NM_001330609.2); short protein forms Y516C, Y664C.
Identifiers: ClinVar variation 4789563 (VCV004789563.1).

ClinVar aggregate classification (germline): Uncertain significance (1 of 4 stars; one submission).

Conditions:
Ritscher-Schinzel syndrome. Also called: CRANIOCEREBELLOCARDIAC DYSPLASIA. Identifiers: Orphanet 7, MedGen C0796137, MONDO:0019078.
Hereditary spastic paraplegia 8 (SPG8). Also called: SPASTIC PARAPLEGIA 8, AUTOSOMAL DOMINANT. Identifiers: Orphanet 100989, MedGen C1863704, MONDO:0011339, OMIM 603563.

gnomAD v4.1: 45 of 1,613,994 alleles (0.0028%); highest among the groups gnomAD compares: East Asian, 0.042%; no homozygotes.

Submission:

Labcorp Genetics (formerly Invitae), Labcorp
Classification: Uncertain significance for Ritscher-Schinzel syndrome; Hereditary spastic paraplegia 8. Last evaluated: 2025-04-29. Review status: criteria provided, single submitter. Criteria: Invitae Variant Classification Sherloc (09022015). Collection method: clinical testing. Allele origin: germline.
Comment: This sequence change replaces tyrosine, which is neutral and polar, with cysteine, which is neutral and slightly polar, at codon 664 of the WASHC5 protein (p.Tyr664Cys). This variant is present in population databases (rs776333653, gnomAD 0.03%). This variant has not been reported in the literature in individuals affected with WASHC5-related conditions. Invitae Evidence Modeling of protein sequence and biophysical properties (such as structural, functional, and spatial information, amino acid conservation, physicochemical variation, residue mobility, and thermodynamic stability) indicates that this missense variant is not expected to disrupt WASHC5 protein function with a negative predictive value of 80%. In summary, the available evidence is currently insufficient to determine the role of this variant in disease. Therefore, it has been classified as a Variant of Uncertain Significance.